The following is an entry in ClinVar:

NM_015910.7(WDPCP):c.606G>A (p.Leu202=)

Gene: WDPCP (WD repeat containing planar cell polarity effector; minus strand). Cytogenetic location: 2p15.
Variant type: single nucleotide variant.
Coding change: c.606G>A on transcript NM_015910.7 (MANE Select); coding-DNA position 606, G replaced by A.
Protein change: p.Leu202=; no amino-acid change (leucine 202 retained).
Molecular consequence: synonymous variant. On other transcripts: non-coding transcript variant (3).
Genome position (GRCh38, 1-based): chr2:63,437,448, C>T on the plus strand (G>A on the coding strand, the complement: WDPCP is on the minus strand). VCF-style: chr2-63437448-C-T. GRCh37 (hg19) VCF-style: chr2-63664582-C-T.
Other names: c.129G>A, p.Leu43= (NM_001042692.3); c.534G>A, p.Leu178= (NM_001354044.2); c.606G>A, p.Leu202= (NM_001354045.2); c.606G>A (NM_015910.5).
Identifiers: ClinVar variation 1529876 (VCV001529876.9), dbSNP rs1400511137, ClinGen allele CA426382989.
Genomic context (GRCh38, chr2:63,437,448, plus strand): 5'-TAATAATATGACTATATAAATCAAAATCTCTACCTTATAATCCAAGGCTGAGAGTTTTTC[C>T]AGTCTTTTGTTTACATCAGAAGACTCCATCTTCTTGGTAAACTGAATAAAACATAGTTTG-3'
Protein context (NP_056994.3, residues 192-212): KMESSDVNKR[Leu202=]EKLSALDYKI

ClinVar aggregate classification (germline): Likely benign. Review status: criteria provided, single submitter (1 of 4 stars). 2 submissions from 2 submitters: Likely benign (1). 1 of the submissions does not count toward it. Last evaluated 2025-09-30.

Conditions:
WDPCP-related disorder. Also called: WDPCP-related condition.
Bardet-Biedl syndrome (BBS). Identifiers: Orphanet 110, MedGen C0752166, MONDO:0015229.

Allele frequency attached by ClinVar (database versions not stated): gnomAD 0.00001; TOPMed 0.00002.

Submissions (2):

Labcorp Genetics (formerly Invitae), Labcorp
Classification: Likely benign for Bardet-Biedl syndrome. Last evaluated: 2025-09-30. Review status: criteria provided, single submitter. Criteria: Invitae Variant Classification Sherloc (09022015). Collection method: clinical testing. Allele origin: germline.

PreventionGenetics, part of Exact Sciences
Classification: Likely benign for WDPCP-related condition. Last evaluated: 2023-07-06. Review status: no assertion criteria provided. Collection method: clinical testing. Allele origin: germline. Not counted in ClinVar's aggregate classification.
Comment: This variant is classified as likely benign based on ACMG/AMP sequence variant interpretation guidelines (Richards et al. 2015 PMID: 25741868, with internal and published modifications).